The following is an entry in ClinVar:

NM_003673.4(TCAP):c.452_453delinsAC (p.Ala151Asp)

Gene: TCAP (titin-cap; plus strand). Cytogenetic location: 17q12.
Variant type: Indel.
Coding change: c.452_453delinsAC on transcript NM_003673.4 (MANE Select); coding-DNA positions 452 to 453, CA replaced by AC.
Protein change: p.Ala151Asp; replaces alanine 151 with aspartic acid.
Molecular consequence: missense variant.
Genome position (GRCh38, 1-based): chr17:39,666,057-39,666,058, CA replaced by AC. VCF-style: chr17-39666057-CA-AC. GRCh37 (hg19) VCF-style: chr17-37822310-CA-AC.
Other names: short protein forms A151D.
Identifiers: ClinVar variation 3757002 (VCV003757002.2).
Genomic context (GRCh38, chr17:39,666,057, plus strand): 5'-AGGAGGTGGCTGAGATCACAAAGCAGCTGCCCCCTGTGGTGCCTGTCAGCAAGCCCGGTG[CA>AC]CTTCGTCGCTCCCTGTCCCGCTCCATGTCCCAGGAAGCACAGAGAGGCTGAGAGGGACTG-3'
Protein context (NP_003664.1, residues 141-161): PPVVPVSKPG[Ala151Asp]LRRSLSRSMS

ClinVar aggregate classification (germline): Uncertain significance (1 of 4 stars; one submission).

Conditions:
Primary familial hypertrophic cardiomyopathy (HCM). Identifiers: Orphanet 99739, MedGen C0949658, MeSH D024741, MONDO:0024573. Inheritance: Various modes of inheritance.
Hypertrophic cardiomyopathy 25 (CMH25). Also called: CARDIOMYOPATHY, FAMILIAL HYPERTROPHIC, 25. Identifiers: MedGen C4225408, MONDO:0011843, OMIM 607487.

Submission:

Labcorp Genetics (formerly Invitae), Labcorp
Classification: Uncertain significance for Hypertrophic cardiomyopathy 25; Primary familial hypertrophic cardiomyopathy. Last evaluated: 2024-06-26. Review status: criteria provided, single submitter. Criteria: Invitae Variant Classification Sherloc (09022015). Collection method: clinical testing. Allele origin: germline.
Comment: This sequence change replaces alanine, which is neutral and non-polar, with aspartic acid, which is acidic and polar, at codon 151 of the TCAP protein (p.Ala151Asp). Information on the frequency of this variant in the gnomAD database is not available, as this variant may be reported differently in the database. This variant has not been reported in the literature in individuals affected with TCAP-related conditions. An algorithm developed to predict the effect of missense changes on protein structure and function (PolyPhen-2) suggests that this variant is likely to be tolerated. In summary, the available evidence is currently insufficient to determine the role of this variant in disease. Therefore, it has been classified as a Variant of Uncertain Significance.